The following is an entry in ClinVar:

ClinVar aggregate classification (germline): Likely benign. Review status: criteria provided, single submitter (1 of 4 stars). 2 submissions from 2 submitters: Likely benign (1). 1 of the submissions does not count toward it. Last evaluated 2024-01-16.

Conditions:
Inborn genetic diseases. Identifiers: MedGen C0950123, MeSH D030342.
SLC24A4-related disorder. Also called: SLC24A4-related condition.

Allele frequency attached by ClinVar (database versions not stated): gnomAD 0.00001; gnomAD exomes 0.00002; TOPMed 0.00002; ExAC 0.00003.
gnomAD v4.1: 30 of 1,613,846 alleles (0.0019%); highest among the groups gnomAD compares: South Asian, 0.0066%; no homozygotes.

Submissions (2):

Ambry Genetics
Classification: Likely benign for Inborn genetic diseases. Last evaluated: 2024-01-16. Review status: criteria provided, single submitter. Criteria: Ambry Variant Classification Scheme 2023. Collection method: clinical testing. Allele origin: germline.

PreventionGenetics, part of Exact Sciences
Classification: Likely benign for SLC24A4-related condition. Last evaluated: 2019-04-25. Review status: no assertion criteria provided. Collection method: clinical testing. Allele origin: germline. Not counted in ClinVar's aggregate classification.
Comment: This variant is classified as likely benign based on ACMG/AMP sequence variant interpretation guidelines (Richards et al. 2015 PMID: 25741868, with internal and published modifications).

NM_153646.4(SLC24A4):c.1578C>T (p.Asn526=)

Gene: SLC24A4 (solute carrier family 24 member 4; plus strand). Cytogenetic location: 14q32.12.
Variant type: single nucleotide variant.
Coding change: c.1578C>T on transcript NM_153646.4 (MANE Select); coding-DNA position 1578, C replaced by T.
Protein change: p.Asn526=; no amino-acid change (asparagine 526 retained).
Molecular consequence: synonymous variant.
Genome position (GRCh38, 1-based): chr14:92,491,705, C>T. VCF-style: chr14-92491705-C-T. GRCh37 (hg19) VCF-style: chr14-92958049-C-T.
Other names: c.1578C>T, p.Asn526= (NM_001378620.1); c.1521C>T, p.Asn507= (NM_001425254.1, NM_153647.4); c.1386C>T, p.Asn462= (NM_153648.4).
Identifiers: ClinVar variation 3046701 (VCV003046701.3), dbSNP rs758612286, ClinGen allele CA7316183.